The following is an entry in ClinVar:

NM_001195263.2(PDZD7):c.1526G>A (p.Gly509Glu)

Gene: PDZD7 (PDZ domain containing 7; minus strand). Cytogenetic location: 10q24.31.
Variant type: single nucleotide variant.
Coding change: c.1526G>A on transcript NM_001195263.2 (MANE Select); coding-DNA position 1526, G replaced by A.
Protein change: p.Gly509Glu; replaces glycine 509 with glutamic acid.
Molecular consequence: missense variant.
Genome position (GRCh38, 1-based): chr10:101,016,424, C>T on the plus strand (G>A on the coding strand, the complement: PDZD7 is on the minus strand). VCF-style: chr10-101016424-C-T. GRCh37 (hg19) VCF-style: chr10-102776181-C-T.
Other names: short protein forms G509E.
Identifiers: ClinVar variation 1007449 (VCV001007449.6), dbSNP rs916653126, ClinGen allele CA378227331.

ClinVar aggregate classification (germline): Uncertain significance (1 of 4 stars; one submission).

Allele frequency attached by ClinVar (database versions not stated): gnomAD 0.00001; TOPMed 0.00003; gnomAD exomes 0.00005.

Submission:

Labcorp Genetics (formerly Invitae), Labcorp
Classification: Uncertain significance. Last evaluated: 2022-02-08. Review status: criteria provided, single submitter. Criteria: Invitae Variant Classification Sherloc (09022015). Collection method: clinical testing. Allele origin: germline.
Comment: This sequence change replaces glycine, which is neutral and non-polar, with glutamic acid, which is acidic and polar, at codon 509 of the PDZD7 protein (p.Gly509Glu). This variant is present in population databases (no rsID available, gnomAD 0.07%). This missense change has been observed in individual(s) with pre-lingual deafness (PMID: 31454969). ClinVar contains an entry for this variant (Variation ID: 1007449). Algorithms developed to predict the effect of missense changes on protein structure and function are either unavailable or do not agree on the potential impact of this missense change (SIFT: "Deleterious"; PolyPhen-2: "Not Available"; Align-GVGD: "Class C0"). In summary, the available evidence is currently insufficient to determine the role of this variant in disease. Therefore, it has been classified as a Variant of Uncertain Significance.

Literature cited by the submitters: PubMed 31454969.